The following is an entry in ClinVar:

NM_000238.4(KCNH2):c.473-2A>C

Gene: KCNH2 (potassium voltage-gated channel subfamily H member 2; minus strand). Cytogenetic location: 7q36.1.
Variant type: single nucleotide variant.
Coding change: c.473-2A>C on transcript NM_000238.4 (MANE Select); the canonical splice acceptor site of the intron before coding-DNA position 473, A replaced by C.
Molecular consequence: splice acceptor variant.
Genome position (GRCh38, 1-based): chr7:150,958,504, T>G on the plus strand (A>C on the coding strand, the complement: KCNH2 is on the minus strand). VCF-style: chr7-150958504-T-G. GRCh37 (hg19) VCF-style: chr7-150655592-T-G.
Other names: c.185-2A>C (NM_001406753.1, NM_001406756.1); c.473-2A>C (NM_172056.3); c.296-2A>C (NM_001406755.1); c.173-2A>C (NM_001406757.1).
Identifiers: ClinVar variation 4730168 (VCV004730168.1).
Genomic context (GRCh38, chr7:150,958,504, plus strand): 5'-CTCCCGGGCCGTCAGCGCCAGCAGCGCGGGCAGCTTCAGGCGGAAGGTCTTGGCGCGGCC[T>G]GCGGGAGAGGAGAGGCACGTGGTCGTGGGGATCGCGAGCAGCCCCGGAGCGGGCAAGGCC-3'

ClinVar aggregate classification (germline): Likely pathogenic (1 of 4 stars; one submission).

Conditions:
Long QT syndrome (LQTS). Identifiers: MedGen C0023976, MeSH D008133, MONDO:0002442. Disease mechanism: loss of function. Inheritance: Various modes of inheritance.

Submission:

Labcorp Genetics (formerly Invitae), Labcorp
Classification: Likely pathogenic for Long QT syndrome. Last evaluated: 2025-10-29. Review status: criteria provided, single submitter. Criteria: Invitae Variant Classification Sherloc (09022015). Collection method: clinical testing. Allele origin: germline.
Comment: This sequence change affects an acceptor splice site in intron 3 of the KCNH2 gene. It is expected to disrupt RNA splicing. Variants that disrupt the donor or acceptor splice site typically lead to a loss of protein function (PMID: 16199547), and loss-of-function variants in KCNH2 are known to be pathogenic (PMID: 10973849, 19862833). This variant is not present in population databases (gnomAD no frequency). Disruption of this splice site has been observed in individual(s) with Torsade de Pointes (internal data). Algorithms developed to predict the effect of sequence changes on RNA splicing suggest that this variant may disrupt the consensus splice site. In summary, the currently available evidence indicates that the variant is pathogenic, but additional data are needed to prove that conclusively. Therefore, this variant has been classified as Likely Pathogenic.

Literature cited by the submitters: PubMed 16199547; PubMed 10973849; PubMed 19862833.